The following is an entry in ClinVar:

ClinVar aggregate classification (germline): Uncertain significance (1 of 4 stars; one submission).

Conditions:
Hereditary spastic paraplegia 4. Also called: Spastic paraplegia 4, autosomal dominant; Familial spastic paraplegia autosomal dominant 2; Spastic Paraplegia 4. Identifiers: Orphanet 100985, MedGen C1866855, MONDO:0008438, OMIM 182601.

Allele frequency attached by ClinVar (database versions not stated): gnomAD exomes below 0.00001.
gnomAD v4.1: 2 of 1,559,794 alleles (0.00013%); highest among the groups gnomAD compares: Non-Finnish European, 0.00018%; no homozygotes.

Submission:

Labcorp Genetics (formerly Invitae), Labcorp
Classification: Uncertain significance for Hereditary spastic paraplegia 4. Last evaluated: 2023-07-05. Review status: criteria provided, single submitter. Criteria: Invitae Variant Classification Sherloc (09022015). Collection method: clinical testing. Allele origin: germline.
Comment: Algorithms developed to predict the effect of sequence changes on RNA splicing suggest that this variant may disrupt the consensus splice site. This variant has not been reported in the literature in individuals affected with SPAST-related conditions. This variant is present in population databases (no rsID available, gnomAD 0.0009%). This sequence change falls in intron 7 of the SPAST gene. It does not directly change the encoded amino acid sequence of the SPAST protein. In summary, the available evidence is currently insufficient to determine the role of this variant in disease. Therefore, it has been classified as a Variant of Uncertain Significance.

NM_014946.4(SPAST):c.1099-17A>C

Gene: SPAST (spastin; plus strand). Cytogenetic location: 2p22.3.
Variant type: single nucleotide variant.
Coding change: c.1099-17A>C on transcript NM_014946.4 (MANE Select); 17 bases into the intron before coding-DNA position 1099, A replaced by C.
Molecular consequence: intron variant.
Genome position (GRCh38, 1-based): chr2:32,126,931, A>C. VCF-style: chr2-32126931-A-C. GRCh37 (hg19) VCF-style: chr2-32352000-A-C.
Other names: c.1003-17A>C (NM_199436.2, NM_001377959.1); c.1096-17A>C (NM_001363823.2); c.1000-17A>C (NM_001363875.2).
Identifiers: ClinVar variation 2795807 (VCV002795807.3), dbSNP rs1323570304, ClinGen allele CA531500398.